The following is an entry in ClinVar:

ClinVar aggregate classification (germline): Pathogenic. Review status: reviewed by expert panel (3 of 4 stars). 41 submissions from 41 submitters: Pathogenic (1). 40 of the submissions do not count toward it. Last evaluated 2015-08-10.

Conditions:
BRCA2-related cancer predisposition. Identifiers: MedGen CN377758, MONDO:0700269.
BRCA2-related disorder. Also called: BRCA2-related condition; BRCA2-related disorders. Identifiers: MedGen CN239275.
Hereditary cancer-predisposing syndrome. Also called: Neoplastic Syndromes, Hereditary; Tumor predisposition; Hereditary Cancer Syndrome; Hereditary neoplastic syndrome. Identifiers: Orphanet 140162, MedGen C0027672, MeSH D009386, MONDO:0015356.
Breast and/or ovarian cancer. Identifiers: MedGen CN221562.
Hereditary breast ovarian cancer syndrome. Also called: Hereditary breast and/or ovarian cancer syndrome; Hereditary breast and ovarian cancer syndrome; Hereditary breast and ovarian cancer; Hereditary breast and ovarian cancer syndrome (HBOC); Breast and ovarian cancer; BRCA1- and BRCA2-Associated Hereditary Breast and Ovarian Cancer. Identifiers: Orphanet 145, MedGen C0677776, MeSH D061325, MONDO:0003582. Disease mechanism: loss of function.
Pancreatic cancer, susceptibility to, 2. Identifiers: Orphanet 1333, MedGen C3150546, MONDO:0013235, OMIM 613347.
Breast-ovarian cancer, familial, susceptibility to, 2 (BROVCA2). Also called: BRCA2 Hereditary Breast and Ovarian Cancer. Identifiers: Orphanet 145, MedGen C2675520, MONDO:0012933, OMIM 612555. Disease mechanism: loss of function.
Breast-ovarian cancer, familial, susceptibility to, 1 (BROVCA1). Also called: OVARIAN CANCER, SUSCEPTIBILITY TO; BRCA1 Hereditary Breast and Ovarian Cancer. Identifiers: Orphanet 145, MedGen C2676676, MONDO:0011450, OMIM 604370. Disease mechanism: loss of function.
Familial cancer of breast. Also called: Hereditary breast cancer; BREAST CANCER, FAMILIAL; hereditary breast carcinoma. Identifiers: Orphanet 227535, MedGen C0346153, MONDO:0016419, OMIM 114480. Disease mechanism: loss of function.
Malignant tumor of breast. Also called: Malignant breast neoplasm; Cancer breast. Identifiers: MedGen C0006142, MONDO:0007254. Disease mechanism: loss of function.

Allele frequency attached by ClinVar (database versions not stated): ExAC 0.00001; gnomAD exomes 0.00001.
gnomAD v4.1: 8 of 1,614,046 alleles (0.0005%); highest among the groups gnomAD compares: South Asian, 0.0022%; no homozygotes.

Submissions 1 to 7 of 41:

Evidence-based Network for the Interpretation of Germline Mutant Alleles (ENIGMA)
Classification: Pathogenic for Breast-ovarian cancer, familial 2. Last evaluated: 2015-08-10. Review status: reviewed by expert panel. Criteria: ENIGMA BRCA1/2 Classification Criteria (2015). Collection method: curation. Allele origin: germline.
Comment: IARC class based on posterior probability from multifactorial likelihood analysis, thresholds for class as per Plon et al. 2008 (PMID: 18951446). Class 5 based on posterior probability = 1

CeGaT Center for Human Genetics Tuebingen
Classification: Pathogenic. Last evaluated: 2026-08-01. Review status: criteria provided, single submitter. Criteria: CeGaT Center For Human Genetics Tuebingen Variant Classification Criteria Version 2. Collection method: clinical testing. Allele origin: germline. Affected: yes. Observed: 2 variant alleles. Not counted in ClinVar's aggregate classification.
Comment: BRCA2: PP1:Strong, PS3, PM2, PS4:Moderate

Labcorp Genetics (formerly Invitae), Labcorp
Classification: Pathogenic for Hereditary breast ovarian cancer syndrome. Last evaluated: 2026-01-18. Review status: criteria provided, single submitter. Criteria: Invitae Variant Classification Sherloc (09022015). Collection method: clinical testing. Allele origin: germline. Not counted in ClinVar's aggregate classification.
Comment: This sequence change replaces arginine, which is basic and polar, with tryptophan, which is neutral and slightly polar, at codon 3052 of the BRCA2 protein (p.Arg3052Trp). This variant is present in population databases (rs45580035, gnomAD 0.003%). This missense change has been observed in individual(s) with breast, ovarian, and prostate cancer (PMID: 18451181, 19200354, 20104584, 24504028, 24728189, 25556971, 26845104). It has also been observed to segregate with disease in related individuals. ClinVar contains an entry for this variant (Variation ID: 52763). Invitae Evidence Modeling incorporating data from in vitro experimental studies (PMID: 33609447) indicates that this missense variant is expected to disrupt BRCA2 function with a positive predictive value of 95%. Experimental studies have shown that this missense change affects BRCA2 function (PMID: 18451181, 18607349, 23108138, 25146914). For these reasons, this variant has been classified as Pathogenic.

Institute of Human Genetics, University of Leipzig Medical Center
Classification: Pathogenic for Breast-ovarian cancer, familial, susceptibility to, 2. Last evaluated: 2025-10-22. Review status: criteria provided, single submitter. Criteria: ACMG Guidelines, 2015. Collection method: clinical testing. Allele origin: maternal. Inheritance: Autosomal dominant inheritance. Affected: yes. Not counted in ClinVar's aggregate classification.
Comment: Criteria applied: PP4_VSTR,PS3,PP3

Laboratory of Genetics, Children's Clinical University Hospital Latvia
Classification: Pathogenic. Last evaluated: 2025-02-16. Review status: criteria provided, single submitter. Criteria: ACMG Guidelines, 2015. Collection method: clinical testing. Allele origin: germline. Affected: yes. Not counted in ClinVar's aggregate classification.

Ambry Genetics
Classification: Pathogenic for Hereditary cancer-predisposing syndrome. Last evaluated: 2024-10-14. Review status: criteria provided, single submitter. Criteria: Ambry Variant Classification Scheme 2023. Collection method: clinical testing. Allele origin: germline. Not counted in ClinVar's aggregate classification.
Comment: The p.R3052W pathogenic mutation (also known as c.9154C>T), located in coding exon 23 of the BRCA2 gene, results from a C to T substitution at nucleotide position 9154. The arginine at codon 3052 is replaced by tryptophan, an amino acid with dissimilar properties. This mutation has been reported in numerous families and individuals with breast and/or ovarian cancer (G&oacute;mez Garc&iacute;a EB et al. Breast Cancer Res. 2009; 11(1):R8; Cunningham JM, Sci Rep 2014; 4:4026; Song H et al. Hum. Mol. Genet., 2014 Sep;23:4703-9; Sun J et al. Clin. Cancer Res., 2017 Oct;23:6113-6119). This alteration has been classified as pathogenic or likely pathogenic by several studies utilizing the following line(s) of evidence: in silico prediction models, segregation with disease, tumor characteristics, mutation co-occurrence, and/or functional assay results (Karchin R et al. Cancer Inform, 2008 Apr;6:203-16; Mohammadi L et al. BMC Cancer, 2009 Jun;9:211; Capanu M et al. Genet. Epidemiol., 2011 Jul;35:389-97; Lindor NM et al. Hum Mutat. 2012 Jan; 33(1):8-21). Additionally, several functional studies have found this alteration to be pathogenic (Kuznetsov SG et al. Nat. Med., 2008 Aug;14:875-81; Hendriks G et al. Hum. Mutat., 2014 Nov;35:1382-91; Guidugli L et al. Am. J. Hum. Genet., 2018 Jan; Mesman RLS et al. Genet Med 2019 02;21(2):293-302; Richardson ME at al. Am J Hum Genet 2021 03;108(3):458-468 ). Of note, this alteration is also designated as 9382C>T in published literature. This amino acid position is highly conserved in available vertebrate species. In addition, this alteration is predicted to be deleterious by in silico analysis. Based on the supporting evidence, this alteration is interpreted as a disease-causing mutation.

Molecular Diagnostics Laboratory, Catalan Institute of Oncology
Classification: Pathogenic for Hereditary cancer-predisposing syndrome. Last evaluated: 2024-10-02. Review status: criteria provided, single submitter. Criteria: ClinGen BRCA1BRCA2 ACMG Specifications BRCA2 V1.0.0. Collection method: clinical testing. Allele origin: germline. Not counted in ClinVar's aggregate classification.
Comment: PS3, PP3, PP4_VeryStrong c.9154C>T, located in exon 24 of the BRCA2 gene, is predicted to result in the substitution of arginine by tryptophan at codon 3052, p.(Arg3052Trp). This position is located in a (potentially) clinically important functional domain of the gene and the SpliceAI algorithm predicts no significant impact on splicing and the BayesDel_noAF predictor score for this variant (0.35) suggests that it affects the protein function (PP3). This variant is found in 3/236682 alleles at a frequency of 0.0013% in the gnomAD v2.1.1 database, non-cancer dataset. It was reported by three calibrated studies to affect protein function similar to pathogenic control variants (PMID: 29988080, 33609447, 32444794) (PS3). Published clinical data for a multifactorial likelihood analysis (PMID: 21990134) showed a combined LR indicative of very strong evidence towards pathogenicity (LR 9544.85), based on segregation (LR 3981), co-occurrence (LR 1.48) and family history (LR 1.62) (PP4_VeryStrong). In addition, the variant was also identified in the following databases: BRCA Exchange (Pathogenic: Class 5 based on posterior probability = 1), ClinVar (1x uncertain significance, 33x pathogenic) and LOVD (14x uncertain significance, 64x pathogenic). Based on the currently available information, c.9154C>T is classified as a pathogenic variant according to ClinGen-BRCA2 Guidelines version v1.0.0.

NM_000059.4(BRCA2):c.9154C>T (p.Arg3052Trp)

Gene: BRCA2 (BRCA2 DNA repair associated; plus strand). Cytogenetic location: 13q13.1.
Variant type: single nucleotide variant.
Coding change: c.9154C>T on transcript NM_000059.4 (MANE Select); coding-DNA position 9154, C replaced by T.
Protein change: p.Arg3052Trp; replaces arginine 3052 with tryptophan.
Molecular consequence: missense variant.
Genome position (GRCh38, 1-based): chr13:32,380,043, C>T. VCF-style: chr13-32380043-C-T. GRCh37 (hg19) VCF-style: chr13-32954180-C-T.
Other names: NP_000050.3:p.Arg3052Trp; 9382C>T; short protein forms R3052W.
Identifiers: ClinVar variation 52763 (VCV000052763.96), dbSNP rs45580035, ClinGen allele CA026006.